The following is an entry in ClinVar:

ClinVar aggregate classification (germline): Uncertain significance (1 of 4 stars; one submission).

Conditions:
Autosomal recessive limb-girdle muscular dystrophy type 2J (LGMDR10). Also called: Limb-girdle muscular dystrophy, type 2J; MUSCULAR DYSTROPHY, LIMB-GIRDLE, AUTOSOMAL RECESSIVE 10. Identifiers: Orphanet 140922, MedGen C1837342, MONDO:0012127, OMIM 608807.
Dilated cardiomyopathy 1G (CMD1G). Identifiers: Orphanet 154, MedGen C1858763, MONDO:0011400, OMIM 604145.

Submission:

Labcorp Genetics (formerly Invitae), Labcorp
Classification: Uncertain significance for Dilated cardiomyopathy 1G; Autosomal recessive limb-girdle muscular dystrophy type 2J. Last evaluated: 2025-03-31. Review status: criteria provided, single submitter. Criteria: Invitae Variant Classification Sherloc (09022015). Collection method: clinical testing. Allele origin: germline.
Comment: This sequence change replaces aspartic acid, which is acidic and polar, with glycine, which is neutral and non-polar, at codon 34668 of the TTN protein (p.Asp34668Gly). This variant is not present in population databases (gnomAD no frequency). This variant has not been reported in the literature in individuals affected with TTN-related conditions. Experimental studies and prediction algorithms are not available or were not evaluated, and the functional significance of this variant is currently unknown. This variant is located in the M band of TTN (PMID: 25589632). Non-truncating variants in this region may be relevant for neuromuscular disorders, but have not been definitively shown to cause cardiomyopathy (PMID: 23975875). In summary, the available evidence is currently insufficient to determine the role of this variant in disease. Therefore, it has been classified as a Variant of Uncertain Significance.

Literature cited by the submitters: PubMed 25589632; PubMed 23975875.

NM_001267550.2(TTN):c.104003A>G (p.Asp34668Gly)

Genes: TTN-AS1 (TTN antisense RNA 1; plus strand), TTN (titin; minus strand). Cytogenetic location: 2q31.2.
Variant type: single nucleotide variant.
Coding change: c.104003A>G on transcript NM_001267550.2 (MANE Select); coding-DNA position 104003, A replaced by G.
Protein change: p.Asp34668Gly; replaces aspartic acid 34668 with glycine.
Molecular consequence: missense variant.
Genome position (GRCh38, 1-based): chr2:178,532,612, T>C on the plus strand (A>G on the coding strand, the complement: TTN is on the minus strand). VCF-style: chr2-178532612-T-C. GRCh37 (hg19) VCF-style: chr2-179397339-T-C.
Other names: c.99080A>G, p.Asp33027Gly (NM_001256850.1); c.76808A>G, p.Asp25603Gly (NM_003319.4); c.96299A>G, p.Asp32100Gly (NM_133378.4); c.77183A>G, p.Asp25728Gly (NM_133432.3); c.77384A>G, p.Asp25795Gly (NM_133437.4); short protein forms D25603G, D25795G, D34668G, D25728G, D32100G, D33027G.
Identifiers: ClinVar variation 4791742 (VCV004791742.1).
Genomic context (GRCh38, chr2:178,532,612, plus strand): 5'-TCAAGCTCTTCTTCAAGACGCAGCCTCTCTTCCTCTGTTCTTTTCATTGCTAAGTAGTCA[T>C]CAATGGGGAGGAGTAATTCTTCATCAGAGATGTCCCCAAGAGAACGTCTTCTAGGTCGGT-3'
Protein context (NP_001254479.2, residues 34658-34678): ISDEELLLPI[Asp34668Gly]DYLAMKRTEE